The following is an entry in ClinVar:

NM_006904.7(PRKDC):c.3524A>T (p.His1175Leu)

Gene: PRKDC (protein kinase, DNA-activated, catalytic subunit; minus strand). Cytogenetic location: 8q11.21.
Variant type: single nucleotide variant.
Coding change: c.3524A>T on transcript NM_006904.7 (MANE Select); coding-DNA position 3524, A replaced by T.
Protein change: p.His1175Leu; replaces histidine 1175 with leucine.
Molecular consequence: missense variant.
Genome position (GRCh38, 1-based): chr8:47,897,235, T>A on the plus strand (A>T on the coding strand, the complement: PRKDC is on the minus strand). VCF-style: chr8-47897235-T-A. GRCh37 (hg19) VCF-style: chr8-48809795-T-A.
Other names: c.3524A>T, p.His1175Leu (NM_001081640.2); short protein forms H1175L.
Identifiers: ClinVar variation 1732292 (VCV001732292.2), dbSNP rs1403204827, ClinGen allele CA371153709.

ClinVar aggregate classification (germline): Uncertain significance (1 of 4 stars; one submission).

Submission:

Ambry Genetics
Classification: Uncertain significance. Last evaluated: 2021-12-10. Review status: criteria provided, single submitter. Criteria: Ambry Variant Classification Scheme 2023. Collection method: clinical testing. Allele origin: germline.
Comment: The p.H1175L variant (also known as c.3524A>T), located in coding exon 30 of the PRKDC gene, results from an A to T substitution at nucleotide position 3524. The histidine at codon 1175 is replaced by leucine, an amino acid with similar properties. This amino acid position is conserved. In addition, this alteration is predicted to be tolerated by in silico analysis. Since supporting evidence is limited at this time, the clinical significance of this alteration remains unclear.